The following is an entry in ClinVar:

NM_002336.3(LRP6):c.2203G>A (p.Asp735Asn)

Gene: LRP6 (LDL receptor related protein 6; minus strand). Cytogenetic location: 12p13.2.
Variant type: single nucleotide variant.
Coding change: c.2203G>A on transcript NM_002336.3 (MANE Select); coding-DNA position 2203, G replaced by A.
Protein change: p.Asp735Asn; replaces aspartic acid 735 with asparagine.
Molecular consequence: missense variant.
Genome position (GRCh38, 1-based): chr12:12,162,269, C>T on the plus strand (G>A on the coding strand, the complement: LRP6 is on the minus strand). VCF-style: chr12-12162269-C-T. GRCh37 (hg19) VCF-style: chr12-12315203-C-T.
Other names: p.Asp735Asn; short protein forms D735N.
Identifiers: ClinVar variation 1394380 (VCV001394380.10), dbSNP rs149258721, ClinGen allele CA6455514.

ClinVar aggregate classification (germline): Uncertain significance. Review status: criteria provided, multiple submitters, no conflicts (2 of 4 stars). 3 submissions from 3 submitters: Uncertain significance (3). Last evaluated 2025-10-06.

Conditions:
Coronary artery disease, autosomal dominant 2 (ADCAD2). Identifiers: MedGen C1970440, MONDO:0012586, OMIM 610947.

Allele frequency attached by ClinVar (database versions not stated): ExAC 0.00014; 1000 Genomes Project 0.00020; ESP Exome Variant Server 0.00023; gnomAD exomes 0.00024 and 0.00038; gnomAD 0.00026 and 0.00027; TOPMed 0.00030; 1000 Genomes Project 30x 0.00031.
gnomAD v4.1: 591 of 1,614,226 alleles (0.037%); highest among the groups gnomAD compares: Non-Finnish European, 0.047%; no homozygotes.

Submissions (3):

Labcorp Genetics (formerly Invitae), Labcorp
Classification: Uncertain significance. Last evaluated: 2025-10-06. Review status: criteria provided, single submitter. Criteria: Invitae Variant Classification Sherloc (09022015). Collection method: clinical testing. Allele origin: germline.
Comment: This sequence change replaces aspartic acid, which is acidic and polar, with asparagine, which is neutral and polar, at codon 735 of the LRP6 protein (p.Asp735Asn). This variant is present in population databases (rs149258721, gnomAD 0.04%), and has an allele count higher than expected for a pathogenic variant. This variant has not been reported in the literature in individuals affected with LRP6-related conditions. ClinVar contains an entry for this variant (Variation ID: 1394380). Invitae Evidence Modeling of protein sequence and biophysical properties (such as structural, functional, and spatial information, amino acid conservation, physicochemical variation, residue mobility, and thermodynamic stability) indicates that this missense variant is not expected to disrupt LRP6 protein function with a negative predictive value of 80%. In summary, the available evidence is currently insufficient to determine the role of this variant in disease. Therefore, it has been classified as a Variant of Uncertain Significance.

Mayo Clinic Laboratories, Mayo Clinic
Classification: Uncertain significance. Last evaluated: 2024-05-16. Review status: criteria provided, single submitter. Criteria: ACMG Guidelines, 2015. Collection method: clinical testing. Allele origin: germline. Observed: 1 variant allele.

New York Genome Center
Classification: Uncertain significance for Coronary artery disease, autosomal dominant 2. Last evaluated: 2021-10-13. Review status: criteria provided, single submitter. Criteria: NYGC Assertion Criteria 2020. Collection method: clinical testing. Allele origin: germline. Observed: 1 heterozygote.

Literature cited by the submitters: PubMed 27713038 (cited by Mayo Clinic Laboratories, Mayo Clinic); PubMed 33118644 (cited by Mayo Clinic Laboratories, Mayo Clinic).